The following is an entry in ClinVar:

ClinVar aggregate classification (germline): Likely pathogenic (1 of 4 stars; one submission).

Conditions:
Primary CD59 deficiency. Also called: CD59-mediated hemolytic anemia with or without immune-mediated polyneuropathy; HEMOLYTIC ANEMIA, CD59-MEDIATED. Identifiers: Orphanet 169464, MedGen C2676767, MONDO:0012858, OMIM 612300.

Submission:

Department of Molecular Genetics, Istishari Arab Hospital
Classification: Likely pathogenic for Primary CD59 deficiency. Last evaluated: 2025-04-19. Review status: criteria provided, single submitter. Criteria: ACMG Guidelines, 2015. Collection method: clinical testing. Allele origin: inherited. Inheritance: Autosomal recessive inheritance. Affected: yes.
Comment: The CD59 variant c.282del p.(Cys94*) creates a premature stop codon in exon(s) no. 4 (of 4). To the best of our knowledge this is a novel variant not previously reported in the literature. It is classified as likely pathogenic based on the ACMG guidelines. (PVS1 , PM2)

NM_000611.6(CD59):c.282del (p.Leu93_Cys94insTer)

Gene: CD59 (CD59 molecule (CD59 blood group); minus strand). Cytogenetic location: 11p13.
Variant type: Deletion.
Coding change: c.282del on transcript NM_000611.6 (MANE Select); coding-DNA position 282, one base deleted (T; older notation c.282delT).
Protein change: p.Leu93_Cys94insTer.
Molecular consequence: nonsense.
Genome position (GRCh38, 1-based): chr11:33,710,231, A deleted on the plus strand (T on the coding strand, the reverse complement: CD59 is on the minus strand). VCF-style (leftmost placement, unchanged base first): chr11-33710230-TA-T. GRCh37 (hg19) VCF-style: chr11-33731776-TA-T.
Other names: p.(Cys94*); c.282del, p.Leu93_Cys94insTer (NM_001127223.1, NM_001127225.2, NM_001127226.2 and 4 more transcripts).
Identifiers: ClinVar variation 3778882 (VCV003778882.1).